The following is an entry in ClinVar:

ClinVar aggregate classification (germline): Likely pathogenic (1 of 4 stars; one submission).

Submission:

Labcorp Genetics (formerly Invitae), Labcorp
Classification: Likely pathogenic. Last evaluated: 2021-10-11. Review status: criteria provided, single submitter. Criteria: Invitae Variant Classification Sherloc (09022015). Collection method: clinical testing. Allele origin: germline.
Comment: This variant has not been reported in the literature in individuals affected with ITGB4-related conditions. In summary, the currently available evidence indicates that the variant is pathogenic, but additional data are needed to prove that conclusively. Therefore, this variant has been classified as Likely Pathogenic. This variant results in a copy number gain of the genomic region encompassing exon(s) 3-6 of the ITGB4 gene. While the exact position of this variant cannot be determined from the data, sub-genic copy number gains are generally in tandem (PMID: 25640679). This variant is predicted to be out-of-frame, and may result in an absent or disrupted protein product. Loss-of-function variants in ITGB4 are known to be pathogenic (PMID: 11328943, 16473856).

Literature cited by the submitters: PubMed 25640679; PubMed 11328943; PubMed 16473856.

NC_000017.10:g.(?_73723255)_(73724574_?)dup

Gene: ITGB4 (integrin subunit beta 4; plus strand). Cytogenetic location: 17q25.1.
Variant type: Duplication.
Identifiers: ClinVar variation 1513395 (VCV001513395.4).